The following is an entry in ClinVar:

NM_201384.3(PLEC):c.10728C>T (p.Gly3576=)

Gene: PLEC (plectin; minus strand). Cytogenetic location: 8q24.3.
Variant type: single nucleotide variant.
Coding change: c.10728C>T on transcript NM_201384.3 (MANE Select); coding-DNA position 10728, C replaced by T.
Protein change: p.Gly3576=; no amino-acid change (glycine 3576 retained).
Molecular consequence: synonymous variant.
Genome position (GRCh38, 1-based): chr8:143,919,093, G>A on the plus strand (C>T on the coding strand, the complement: PLEC is on the minus strand). VCF-style: chr8-143919093-G-A. GRCh37 (hg19) VCF-style: chr8-144993261-G-A.
Other names: p.Gly3603=; c.10809C>T, p.Gly3603= (NM_000445.5); c.10686C>T, p.Gly3562= (NM_201378.4); c.10662C>T, p.Gly3554= (NM_201379.3); c.11139C>T, p.Gly3713= (NM_201380.4); c.10632C>T, p.Gly3544= (NM_201381.3); c.10728C>T, p.Gly3576= (NM_201382.4); c.10740C>T, p.Gly3580= (NM_201383.3).
Identifiers: ClinVar variation 283034 (VCV000283034.18), dbSNP rs372840016, ClinGen allele CA4924551.

ClinVar aggregate classification (germline): Conflicting classifications of pathogenicity. Review status: criteria provided, conflicting classifications (1 of 4 stars). 7 submissions from 7 submitters: Uncertain significance (1); Likely benign (6). Last evaluated 2026-06-25.

Conditions:
PLEC-related disorder. Also called: PLEC-related condition; PLEC-related disorders.
Epidermolysis bullosa simplex 5C, with pyloric atresia (EBS5C). Also called: PLEC-Related Epidermolysis Bullosa with Pyloric Atresia; Epidermolysis bullosa simplex with pyloric atresia; PLEC1-Related Epidermolysis Bullosa with Pyloric Atresia. Identifiers: Orphanet 158684, MedGen C2677349, MONDO:0012807, OMIM 612138.
Epidermolysis bullosa simplex with nail dystrophy (EBS5D). Identifiers: MedGen C4225309, MONDO:0014661, OMIM 616487.
Autosomal recessive limb-girdle muscular dystrophy type 2Q (LGMDR17). Also called: MUSCULAR DYSTROPHY, LIMB-GIRDLE, AUTOSOMAL RECESSIVE 17. Identifiers: Orphanet 254361, MedGen C3150989, MONDO:0013390, OMIM 613723.
Epidermolysis bullosa simplex, Ogna type (EBS5A). Also called: Pidermolysis bullosa simplex 5A, Ogna type; EPIDERMOLYSIS BULLOSA SIMPLEX 5A, OGNA TYPE. Identifiers: Orphanet 79401, MedGen C0432317, MONDO:0007555, OMIM 131950.
Epidermolysis bullosa simplex 5B, with muscular dystrophy (EBS5B). Also called: EPIDERMOLYSIS BULLOSA SIMPLEX AND LIMB-GIRDLE MUSCULAR DYSTROPHY; Epidermolysis bullosa simplex with muscular dystrophy. Identifiers: Orphanet 257, MedGen C2931072, MONDO:0009181, OMIM 226670.

Allele frequency attached by ClinVar (database versions not stated): gnomAD 0.00009 and 0.00013; TOPMed 0.00011; 1000 Genomes Project 30x 0.00016; ExAC 0.00019; 1000 Genomes Project 0.00020; gnomAD exomes 0.00020; ESP Exome Variant Server 0.00024.
gnomAD v4.1: 440 of 1,611,814 alleles (0.027%); highest among the groups gnomAD compares: East Asian, 0.43%; 1 homozygote.

Submissions (7):

PreventionGenetics, part of Exact Sciences
Classification: Likely benign for PLEC-related condition. Last evaluated: 2026-06-25. Review status: criteria provided, single submitter. Criteria: ACMG Guidelines, 2015. Collection method: clinical testing. Allele origin: germline.
Comment: This variant is classified as likely benign based on ACMG/AMP sequence variant interpretation guidelines (Richards et al. 2015 PMID: 25741868, with internal and published modifications).

Labcorp Genetics (formerly Invitae), Labcorp
Classification: Likely benign for Autosomal recessive limb-girdle muscular dystrophy type 2Q; Epidermolysis bullosa simplex, Ogna type; Epidermolysis bullosa simplex with nail dystrophy; Epidermolysis bullosa simplex 5C, with pyloric atresia; Epidermolysis bullosa simplex 5B, with muscular dystrophy. Last evaluated: 2025-12-02. Review status: criteria provided, single submitter. Criteria: Invitae Variant Classification Sherloc (09022015). Collection method: clinical testing. Allele origin: germline.

Mayo Clinic Laboratories, Mayo Clinic
Classification: Likely benign. Last evaluated: 2025-07-10. Review status: criteria provided, single submitter. Criteria: ACMG Guidelines, 2015. Collection method: clinical testing. Allele origin: germline. Observed: 1 variant allele.
Comment: BP4, BP7

Blueprint Genetics
Classification: Likely benign. Last evaluated: 2024-09-02. Review status: criteria provided, single submitter. Criteria: ACMG Guidelines, 2015. Collection method: clinical testing. Allele origin: germline.

Athena Diagnostics
Classification: Likely benign. Last evaluated: 2017-05-03. Review status: criteria provided, single submitter. Criteria: Athena Diagnostics Criteria. Collection method: clinical testing. Allele origin: germline.

GeneDx
Classification: Likely benign. Last evaluated: 2016-12-02. Review status: criteria provided, single submitter. Criteria: GeneDx Variant Classification (06012015). Collection method: clinical testing. Allele origin: germline. Affected: yes.
Comment: This variant is considered likely benign or benign based on one or more of the following criteria: it is a conservative change, it occurs at a poorly conserved position in the protein, it is predicted to be benign by multiple in silico algorithms, and/or has population frequency not consistent with disease.

Eurofins Ntd Llc (ga)
Classification: Uncertain significance. Last evaluated: 2015-09-18. Review status: criteria provided, single submitter. Criteria: EGL Classification Definitions 2015. Collection method: clinical testing. Allele origin: germline. Observed: 2 variant alleles, 2 heterozygotes.